The following is an entry in ClinVar:

ClinVar aggregate classification (germline): Uncertain significance. Review status: criteria provided, multiple submitters, no conflicts (2 of 4 stars). 2 submissions from 2 submitters: Uncertain significance (2). Last evaluated 2025-04-23.

Conditions:
Hereditary diffuse gastric adenocarcinoma (HDGC). Also called: DIFFUSE GASTRIC AND LOBULAR BREAST CANCER SYNDROME. Identifiers: Orphanet 26106, MedGen C1708349, MONDO:0007648, OMIM 137215.
Hereditary cancer-predisposing syndrome. Also called: Hereditary neoplastic syndrome; Neoplastic Syndromes, Hereditary; Hereditary Cancer Syndrome; Tumor predisposition. Identifiers: Orphanet 140162, MedGen C0027672, MeSH D009386, MONDO:0015356.

Allele frequency attached by ClinVar (database versions not stated): gnomAD exomes below 0.00001; TOPMed below 0.00001.
gnomAD v4.1: 1 of 1,614,192 alleles (0.000062%); highest among the groups gnomAD compares: Non-Finnish European, 0.000085%; no homozygotes.

Submissions (2):

Labcorp Genetics (formerly Invitae), Labcorp
Classification: Uncertain significance for Hereditary diffuse gastric adenocarcinoma. Last evaluated: 2025-04-23. Review status: criteria provided, single submitter. Criteria: Invitae Variant Classification Sherloc (09022015). Collection method: clinical testing. Allele origin: germline.
Comment: This sequence change replaces aspartic acid, which is acidic and polar, with glycine, which is neutral and non-polar, at codon 858 of the CDH1 protein (p.Asp858Gly). This variant is not present in population databases (gnomAD no frequency). This variant has not been reported in the literature in individuals affected with CDH1-related conditions. ClinVar contains an entry for this variant (Variation ID: 1419033). An algorithm developed to predict the effect of missense changes on protein structure and function (PolyPhen-2) suggests that this variant is likely to be disruptive. In summary, the available evidence is currently insufficient to determine the role of this variant in disease. Therefore, it has been classified as a Variant of Uncertain Significance.

Ambry Genetics
Classification: Uncertain significance for Hereditary cancer-predisposing syndrome. Last evaluated: 2022-09-05. Review status: criteria provided, single submitter. Criteria: Ambry Variant Classification Scheme 2023. Collection method: clinical testing. Allele origin: germline.
Comment: The p.D858G variant (also known as c.2573A>G), located in coding exon 16 of the CDH1 gene, results from an A to G substitution at nucleotide position 2573. The aspartic acid at codon 858 is replaced by glycine, an amino acid with similar properties. This amino acid position is well conserved in available vertebrate species. In addition, this alteration is predicted to be deleterious by in silico analysis. Since supporting evidence is limited at this time, the clinical significance of this alteration remains unclear.

NM_004360.5(CDH1):c.2573A>G (p.Asp858Gly)

Gene: CDH1 (cadherin 1; plus strand). Cytogenetic location: 16q22.1.
Variant type: single nucleotide variant.
Coding change: c.2573A>G on transcript NM_004360.5 (MANE Select); coding-DNA position 2573, A replaced by G.
Protein change: p.Asp858Gly; replaces aspartic acid 858 with glycine.
Molecular consequence: missense variant.
Genome position (GRCh38, 1-based): chr16:68,833,423, A>G. VCF-style: chr16-68833423-A-G. GRCh37 (hg19) VCF-style: chr16-68867326-A-G.
Other names: c.2390A>G, p.Asp797Gly (NM_001317184.2); c.1025A>G, p.Asp342Gly (NM_001317185.2); c.608A>G, p.Asp203Gly (NM_001317186.2); short protein forms D203G, D797G, D342G, D858G.
Identifiers: ClinVar variation 1419033 (VCV001419033.8), dbSNP rs1961541678, ClinGen allele CA396472523.